The following is an entry in ClinVar:

ClinVar aggregate classification (germline): Uncertain significance (1 of 4 stars; one submission).

Allele frequency attached by ClinVar (database versions not stated): TOPMed below 0.00001; gnomAD exomes 0.00002; ExAC 0.00003.

Submission:

Labcorp Genetics (formerly Invitae), Labcorp
Classification: Uncertain significance. Last evaluated: 2021-08-06. Review status: criteria provided, single submitter. Criteria: Invitae Variant Classification Sherloc (09022015). Collection method: clinical testing. Allele origin: germline.
Comment: This sequence change replaces arginine with leucine at codon 1144 of the SBF1 protein (p.Arg1144Leu). The arginine residue is moderately conserved and there is a moderate physicochemical difference between arginine and leucine. This variant is present in population databases (rs768541253, ExAC 0.02%). This variant has not been reported in the literature in individuals affected with SBF1-related conditions. Algorithms developed to predict the effect of missense changes on protein structure and function are either unavailable or do not agree on the potential impact of this missense change (SIFT: "Deleterious"; PolyPhen-2: "Probably Damaging"; Align-GVGD: "Class C0"). In summary, the available evidence is currently insufficient to determine the role of this variant in disease. Therefore, it has been classified as a Variant of Uncertain Significance.

NM_002972.4(SBF1):c.3431G>T (p.Arg1144Leu)

Gene: SBF1 (SET binding factor 1; minus strand). Cytogenetic location: 22q13.33.
Variant type: single nucleotide variant.
Coding change: c.3431G>T on transcript NM_002972.4 (MANE Select); coding-DNA position 3431, G replaced by T.
Protein change: p.Arg1144Leu; replaces arginine 1144 with leucine.
Molecular consequence: missense variant.
Genome position (GRCh38, 1-based): chr22:50,460,012, C>A on the plus strand (G>T on the coding strand, the complement: SBF1 is on the minus strand). VCF-style: chr22-50460012-C-A. GRCh37 (hg19) VCF-style: chr22-50898441-C-A.
Other names: c.3434G>T, p.Arg1145Leu (NM_001365819.1); short protein forms R1145L, R1144L.
Identifiers: ClinVar variation 1463236 (VCV001463236.3), dbSNP rs768541253, ClinGen allele CA10316720.